The following is an entry in ClinVar:

NM_003907.3(EIF2B5):c.1688G>A (p.Arg563Gln)

Gene: EIF2B5 (eukaryotic translation initiation factor 2B subunit epsilon; plus strand). Cytogenetic location: 3q27.1.
Variant type: single nucleotide variant.
Coding change: c.1688G>A on transcript NM_003907.3 (MANE Select); coding-DNA position 1688, G replaced by A.
Protein change: p.Arg563Gln; replaces arginine 563 with glutamine.
Molecular consequence: missense variant.
Genome position (GRCh38, 1-based): chr3:184,143,085, G>A. VCF-style: chr3-184143085-G-A. GRCh37 (hg19) VCF-style: chr3-183860873-G-A.
Other names: c.1688G>A (NM_003907.2); short protein forms R563Q.
Identifiers: ClinVar variation 3385157 (VCV003385157.3), dbSNP rs1290134782.

ClinVar aggregate classification (germline): Conflicting classifications of pathogenicity. Review status: criteria provided, conflicting classifications (1 of 4 stars). 3 submissions from 3 submitters: Likely pathogenic (1); Uncertain significance (1). 1 of the submissions does not count toward it. Last evaluated 2025-09-01.

Conditions:
Leukoencephalopathy with vanishing white matter 5 (VWM5). Also called: EIF2B5-Related Childhood Ataxia with Central Nervous System Hypomyelination/Vanishing White Matter; Leukoencephalopathy with vanishing white matter 5, with or without ovarian failure. Identifiers: MedGen C5779973, MONDO:0957873, OMIM 620315.
Vanishing white matter disease. Also called: CACH syndrome; Childhood ataxia with diffuse central nervous system hypomyelination; Leukoencephalopathy with vanishing white matter; CACH/VWM syndrome; Cree leukoencehalopathy. Identifiers: Orphanet 135, Orphanet 99853, MedGen C1858991, MONDO:0800448.

gnomAD v4.1: 6 of 1,613,768 alleles (0.00037%); highest among the groups gnomAD compares: Admixed American, 0.0033%; no homozygotes.

Submissions (3):

Centro de Investigaciones en Bioquimica Clinica e Inmunologia, Consejo Nacional de Investigaciones Científicas y Técnicas
Classification: Likely pathogenic for Leukoencephalopathy with vanishing white matter 5. Last evaluated: 2025-09-01. Review status: criteria provided, single submitter. Criteria: ACMG Guidelines, 2015. Collection method: research. Allele origin: germline. Inheritance: Autosomal recessive inheritance. Affected: yes. Observed: 4 variant alleles, 1 heterozygote, 3 compound heterozygotes. Clinical features observed: Seizure (HP:0001250), Leukodystrophy (HP:0002415), Motor regression (HP:0033044), Developmental regression (HP:0002376).
Comment: The NM_003907.3:c.1688G>A (p.Arg563Gln) variant results in an arginine-to-glutamine substitution at codon 563. It shows very low frequency in gnomAD with no homozygotes (PM2_Supporting). Reported in affected individuals with Leukoencephalopathy with vanishing white matter in compound heterozygous state with another pathogenic variant (PMID: 29933199) (PM3_Strong). In silico prediction (REVEL score = 0.67) supports a damaging effect (PP3). The variant was also observed to co-segregate with disease in an affected family (doi:10.3389/fgene.2025.1688885; PP1_Moderate).

Women's Health and Genetics/Laboratory Corporation of America, LabCorp
Classification: Uncertain significance. Last evaluated: 2024-10-22. Review status: criteria provided, single submitter. Criteria: LabCorp Variant Classification Summary - May 2015. Collection method: clinical testing. Allele origin: germline.
Comment: Variant summary: EIF2B5 c.1688G>A (p.Arg563Gln) results in a conservative amino acid change located in the W2 domain of the encoded protein sequence. Three of five in-silico tools predict a damaging effect of the variant on protein function. The variant allele was found at a frequency of 8e-06 in 250854 control chromosomes. c.1688G>A has been reported in the literature in individuals affected with Leukoencephalopathy With Vanishing White Matter. These data indicate that the variant may be associated with disease. To our knowledge, no experimental evidence demonstrating an impact on protein function has been reported. No submitters have cited clinical-significance assessments for this variant to ClinVar. The following publications have been ascertained in the context of this evaluation (PMID: 29933199, 34745209). Based on the evidence outlined above, the variant was classified as VUS-possibly pathogenic.

Natera, Inc.
Classification: Likely pathogenic for Leukoencephalopathy with vanishing white matter. Last evaluated: 2025-01-23. Review status: no assertion criteria provided. Collection method: clinical testing. Allele origin: germline. Not counted in ClinVar's aggregate classification.

Literature cited by the submitters: PubMed 29933199 (cited by Centro de Investigaciones en Bioquimica Clinica e Inmunologia, Consejo Nacional de Investigaciones Científicas y Técnicas and Women's Health and Genetics/Laboratory Corporation of America, LabCorp); DOI 10.3389/fgene.2025.1688885 (cited by Centro de Investigaciones en Bioquimica Clinica e Inmunologia, Consejo Nacional de Investigaciones Científicas y Técnicas); PubMed 34745209 (cited by Women's Health and Genetics/Laboratory Corporation of America, LabCorp).